The following is an entry in ClinVar:

ClinVar aggregate classification (germline): Uncertain significance (1 of 4 stars; one submission).

Conditions:
KDM5A-related disorder. Also called: KDM5A-related condition.

Submission:

PreventionGenetics, part of Exact Sciences
Classification: Uncertain significance for KDM5A-related condition. Last evaluated: 2023-09-25. Review status: criteria provided, single submitter. Criteria: ACMG Guidelines, 2015. Collection method: clinical testing. Allele origin: germline.
Comment: The KDM5A c.1840G>A variant is predicted to result in the amino acid substitution p.Glu614Lys. To our knowledge, this variant has not been reported in the literature or in a large population database, indicating this variant is rare. At this time, the clinical significance of this variant is uncertain due to the absence of conclusive functional and genetic evidence.

NM_001042603.3(KDM5A):c.1840G>A (p.Glu614Lys)

Gene: KDM5A (lysine demethylase 5A; minus strand). Cytogenetic location: 12p13.33.
Variant type: single nucleotide variant.
Coding change: c.1840G>A on transcript NM_001042603.3 (MANE Select); coding-DNA position 1840, G replaced by A.
Protein change: p.Glu614Lys; replaces glutamic acid 614 with lysine.
Molecular consequence: missense variant.
Genome position (GRCh38, 1-based): chr12:328,963, C>T on the plus strand (G>A on the coding strand, the complement: KDM5A is on the minus strand). VCF-style: chr12-328963-C-T. GRCh37 (hg19) VCF-style: chr12-438129-C-T.
Other names: short protein forms E614K.
Identifiers: ClinVar variation 2630757 (VCV002630757.1), dbSNP rs2137419150, ClinGen allele CA383640495.